The following is an entry in ClinVar:

NM_007294.4(BRCA1):c.155T>G (p.Leu52Arg)

Gene: BRCA1 (BRCA1 DNA repair associated; minus strand). Cytogenetic location: 17q21.31.
Variant type: single nucleotide variant.
Coding change: c.155T>G on transcript NM_007294.4 (MANE Select); coding-DNA position 155, T replaced by G.
Protein change: p.Leu52Arg; replaces leucine 52 with arginine.
Molecular consequence: missense variant. On other transcripts: non-coding transcript variant (1).
Genome position (GRCh38, 1-based): chr17:43,106,513, A>C on the plus strand (T>G on the coding strand, the complement: BRCA1 is on the minus strand). VCF-style: chr17-43106513-A-C. GRCh37 (hg19) VCF-style: chr17-41258530-A-C.
Other names: c.-34T>G (NM_001407571.1, NM_001407853.1, NM_001407879.1 and 58 more transcripts); c.155T>G, p.Leu52Arg (NM_001407581.1, NM_001407582.1, NM_001407583.1 and 168 more transcripts); c.14T>G, p.Leu5Arg (NM_001407692.1, NM_001407694.1, NM_001407695.1 and 99 more transcripts); short protein forms L52R, L5R.
Identifiers: ClinVar variation 867283 (VCV000867283.3), dbSNP rs1060502346, ClinGen allele CA10601845.

Conditions:
Breast-ovarian cancer, familial, susceptibility to, 1 (BROVCA1). Also called: BRCA1 Hereditary Breast and Ovarian Cancer; OVARIAN CANCER, SUSCEPTIBILITY TO. Identifiers: Orphanet 145, MedGen C2676676, MONDO:0011450, OMIM 604370. Disease mechanism: loss of function.

Submission:

Brotman Baty Institute, University of Washington
No classification provided (evidence only). Condition: Breast-ovarian cancer, familial 1. Review status: no classification provided. Collection method: in vitro. Allele origin: not applicable. Functional consequence: function_uncertain_variant.
ClinVar note: "not provided" was previously submitted as the classification for the variant. However, the classification appeared to be based only on an observation of functional data so it was converted to no classification on 2025-07-30.